The following is an entry in ClinVar:

NM_000057.4(BLM):c.610G>A (p.Val204Ile)

Gene: BLM (BLM RecQ like helicase; plus strand). Cytogenetic location: 15q26.1.
Variant type: single nucleotide variant.
Coding change: c.610G>A on transcript NM_000057.4 (MANE Select); coding-DNA position 610, G replaced by A.
Protein change: p.Val204Ile; replaces valine 204 with isoleucine.
Molecular consequence: missense variant. On other transcripts: 5 prime UTR variant (1).
Genome position (GRCh38, 1-based): chr15:90,749,878, G>A. VCF-style: chr15-90749878-G-A. GRCh37 (hg19) VCF-style: chr15-91293108-G-A.
Other names: c.610G>A, p.Val204Ile (NM_001287246.2, NM_001287247.2); c.-682G>A (NM_001287248.2); short protein forms V204I.
Identifiers: ClinVar variation 1751675 (VCV001751675.3), dbSNP rs1360806507, ClinGen allele CA393841164.

ClinVar aggregate classification (germline): Uncertain significance (1 of 4 stars; one submission).

Conditions:
Hereditary cancer-predisposing syndrome. Also called: Hereditary Cancer Syndrome; Hereditary neoplastic syndrome; Neoplastic Syndromes, Hereditary; Tumor predisposition. Identifiers: Orphanet 140162, MedGen C0027672, MeSH D009386, MONDO:0015356.

Allele frequency attached by ClinVar (database versions not stated): TOPMed below 0.00001.

Submission:

Ambry Genetics
Classification: Uncertain significance for Hereditary cancer-predisposing syndrome. Last evaluated: 2025-05-17. Review status: criteria provided, single submitter. Criteria: Ambry Variant Classification Scheme 2023. Collection method: clinical testing. Allele origin: germline.
Comment: The p.V204I variant (also known as c.610G>A), located in coding exon 2 of the BLM gene, results from a G to A substitution at nucleotide position 610. The valine at codon 204 is replaced by isoleucine, an amino acid with highly similar properties. This amino acid position is conserved. In addition, this alteration is predicted to be tolerated by in silico analysis. Since supporting evidence is limited at this time, the clinical significance of this alteration remains unclear.